The following is an entry in ClinVar:

ClinVar aggregate classification (germline): Uncertain significance. Review status: criteria provided, multiple submitters, no conflicts (2 of 4 stars). 2 submissions from 2 submitters: Uncertain significance (2). Last evaluated 2024-02-14.

Conditions:
Developmental and epileptic encephalopathy, 11 (DEE11). Also called: Early infantile epileptic encephalopathy 11. Identifiers: Orphanet 1934, MedGen C3150987, MONDO:0013388, OMIM 613721.
Seizures, benign familial infantile, 3 (BFIS3). Also called: CONVULSIONS, BENIGN FAMILIAL INFANTILE, 3; Familial neonatal seizures. Identifiers: Orphanet 140927, Orphanet 306, MedGen C1843140, MONDO:0011904, OMIM 607745.

Allele frequency attached by ClinVar (database versions not stated): TOPMed below 0.00001; gnomAD 0.00001; gnomAD exomes 0.00001.
gnomAD v4.1: 9 of 1,614,024 alleles (0.00056%); highest among the groups gnomAD compares: Admixed American, 0.005%; no homozygotes.

Submissions (2):

Labcorp Genetics (formerly Invitae), Labcorp
Classification: Uncertain significance for Seizures, benign familial infantile, 3; Developmental and epileptic encephalopathy, 11. Last evaluated: 2024-02-14. Review status: criteria provided, single submitter. Criteria: Invitae Variant Classification Sherloc (09022015). Collection method: clinical testing. Allele origin: germline.
Comment: This sequence change replaces arginine, which is basic and polar, with glutamine, which is neutral and polar, at codon 583 of the SCN2A protein (p.Arg583Gln). This variant is present in population databases (no rsID available, gnomAD 0.006%). This variant has not been reported in the literature in individuals affected with SCN2A-related conditions. ClinVar contains an entry for this variant (Variation ID: 1327651). Advanced modeling of protein sequence and biophysical properties (such as structural, functional, and spatial information, amino acid conservation, physicochemical variation, residue mobility, and thermodynamic stability) performed at Invitae indicates that this missense variant is expected to disrupt SCN2A protein function with a positive predictive value of 95%. In summary, the available evidence is currently insufficient to determine the role of this variant in disease. Therefore, it has been classified as a Variant of Uncertain Significance.

GeneDx
Classification: Uncertain significance. Last evaluated: 2021-06-08. Review status: criteria provided, single submitter. Criteria: GeneDx Variant Classification Process June 2021. Collection method: clinical testing. Allele origin: germline. Affected: yes.
Comment: Missense variants in this gene are often considered pathogenic (Stenson et al., 2014); In silico analysis supports that this missense variant has a deleterious effect on protein structure/function; Has not been previously published as pathogenic or benign to our knowledge; This substitution is predicted to be in the cytoplasmic loop between the first and second homologous domains; This variant is associated with the following publications: (PMID: 27535533, 24077912)

NM_001040142.2(SCN2A):c.1748G>A (p.Arg583Gln)

Gene: SCN2A (sodium voltage-gated channel alpha subunit 2; plus strand). Cytogenetic location: 2q24.3.
Variant type: single nucleotide variant.
Coding change: c.1748G>A on transcript NM_001040142.2 (MANE Select); coding-DNA position 1748, G replaced by A.
Protein change: p.Arg583Gln; replaces arginine 583 with glutamine.
Molecular consequence: missense variant.
Genome position (GRCh38, 1-based): chr2:165,323,232, G>A. VCF-style: chr2-165323232-G-A. GRCh37 (hg19) VCF-style: chr2-166179742-G-A.
Other names: c.1748G>A, p.Arg583Gln (NM_001040143.2, NM_001371246.1, NM_001371247.1 and 1 more transcripts); short protein forms R583Q.
Identifiers: ClinVar variation 1327651 (VCV001327651.8), dbSNP rs1158928024, ClinGen allele CA349026584.